The following is an entry in ClinVar:

NM_000091.5(COL4A3):c.2056G>C (p.Gly686Arg)

Genes: COL4A3 (collagen type IV alpha 3 chain; plus strand), MFF-DT (MFF divergent transcript; minus strand). Cytogenetic location: 2q36.3.
Variant type: single nucleotide variant.
Coding change: c.2056G>C on transcript NM_000091.5 (MANE Select); coding-DNA position 2056, G replaced by C.
Protein change: p.Gly686Arg; replaces glycine 686 with arginine.
Molecular consequence: missense variant.
Genome position (GRCh38, 1-based): chr2:227,277,484, G>C. VCF-style: chr2-227277484-G-C. GRCh37 (hg19) VCF-style: chr2-228142200-G-C.
Other names: short protein forms G686R.
Identifiers: ClinVar variation 4817212 (VCV004817212.2).

ClinVar aggregate classification (germline): Conflicting classifications of pathogenicity. Review status: criteria provided, conflicting classifications (1 of 4 stars). 2 submissions from 2 submitters: Likely pathogenic (1); Uncertain significance (1). Last evaluated 2026-02-26.

Conditions:
Alport syndrome. Also called: Hemorrhagic familial nephritis; Hemorrhagic hereditary nephritis; Congenital hereditary hematuria. Identifiers: Orphanet 63, MedGen C1567741, MONDO:0018965.
Inborn genetic diseases. Identifiers: MedGen C0950123, MeSH D030342.

gnomAD v4.1: 1 of 1,612,858 alleles (0.000062%); highest among the groups gnomAD compares: Non-Finnish European, 0.000085%; no homozygotes.

Submissions (2):

Ambry Genetics
Classification: Uncertain significance for Inborn genetic diseases. Last evaluated: 2026-02-26. Review status: criteria provided, single submitter. Criteria: Ambry Variant Classification Scheme 2023. Collection method: clinical testing. Allele origin: germline.

Natera, Inc.
Classification: Likely pathogenic for Alport syndrome. Last evaluated: 2025-08-25. Review status: criteria provided, single submitter. Criteria: Natera Variant Classification Schema (03/2026). Collection method: clinical testing. Allele origin: germline.
Comment: The c.2056G>C variant in COL4A3 is a missense variant predicted to cause substitution of glycine to arginine at amino acid 686. This variant is rare in the general population with a frequency below the threshold expected for the associated phenotype(s). This variant is located in a functionally critical region of the protein. Computational prediction algorithms indicate this variant is likely to affect gene or protein function. Given the available evidence, this variant is classified as Likely Pathogenic.